The following is an entry in ClinVar:

NM_001080770.2(KIR2DL4):c.267A>T (p.Pro89=)

Gene: KIR2DL4 (killer cell immunoglobulin like receptor, two Ig domains and long cytoplasmic tail 4). Cytogenetic location: 19q13.42.
Variant type: single nucleotide variant.
Coding change: c.267A>T on transcript NM_001080770.2 (MANE Select); coding-DNA position 267, A replaced by T.
Protein change: p.Pro89=; no amino-acid change (proline 89 retained).
Molecular consequence: synonymous variant.
Genome position (GRCh38, 1-based): chr19:54,804,983, A>T. VCF-style: chr19-54804983-A-T. GRCh37 (hg19) VCF-style: chr19-55316438-A-T.
Other names: c.267A>T, p.Pro89= (NM_001080772.2).
Identifiers: ClinVar variation 2650469 (VCV002650469.24), dbSNP rs1453501487, ClinGen allele CA645608492.

ClinVar aggregate classification (germline): Likely benign (1 of 4 stars; one submission).

Submission:

CeGaT Center for Human Genetics Tuebingen
Classification: Likely benign. Last evaluated: 2023-08-01. Review status: criteria provided, single submitter. Criteria: CeGaT Center For Human Genetics Tuebingen Variant Classification Criteria Version 2. Collection method: clinical testing. Allele origin: germline. Affected: yes. Observed: 2 variant alleles.
Comment: KIR2DL4: BP4, BP7